The following is an entry in ClinVar:

NM_000834.5(GRIN2B):c.3343C>T (p.Arg1115Cys)

Gene: GRIN2B (glutamate ionotropic receptor NMDA type subunit 2B; minus strand). Cytogenetic location: 12p13.1.
Variant type: single nucleotide variant.
Coding change: c.3343C>T on transcript NM_000834.5 (MANE Select); coding-DNA position 3343, C replaced by T.
Protein change: p.Arg1115Cys; replaces arginine 1115 with cysteine.
Molecular consequence: missense variant.
Genome position (GRCh38, 1-based): chr12:13,563,895, G>A on the plus strand (C>T on the coding strand, the complement: GRIN2B is on the minus strand). VCF-style: chr12-13563895-G-A. GRCh37 (hg19) VCF-style: chr12-13716829-G-A.
Other names: c.3343C>T, p.Arg1115Cys (NM_001413992.1); short protein forms R1115C.
Identifiers: ClinVar variation 2501934 (VCV002501934.1), dbSNP rs370908319, ClinGen allele CA6460914.

ClinVar aggregate classification (germline): Uncertain significance (1 of 4 stars; one submission).

Allele frequency attached by ClinVar (database versions not stated): ExAC 0.00001; ESP Exome Variant Server 0.00008.
gnomAD v4.1: 2 of 1,614,126 alleles (0.00012%); highest among the groups gnomAD compares: Non-Finnish European, 0.000085%; no homozygotes.

Submission:

GeneDx
Classification: Uncertain significance. Last evaluated: 2022-11-15. Review status: criteria provided, single submitter. Criteria: GeneDx Variant Classification Process June 2021. Collection method: clinical testing. Allele origin: germline. Affected: yes.
Comment: In silico analysis supports that this missense variant has a deleterious effect on protein structure/function; Has not been previously published as pathogenic or benign to our knowledge